The following is an entry in ClinVar:

ClinVar aggregate classification (germline): Pathogenic. Review status: criteria provided, multiple submitters, no conflicts (2 of 4 stars). 2 submissions from 2 submitters: Pathogenic (2). Last evaluated 2025-08-09.

Conditions:
Fliedner-Zweier syndrome (FZS). Identifiers: MedGen C5882693, MONDO:0957787, OMIM 620511.

gnomAD v4.1: 2 of 1,577,736 alleles (0.00013%); highest among the groups gnomAD compares: Non-Finnish European, 0.00017%; no homozygotes.

Submissions (2):

GeneDx
Classification: Pathogenic. Last evaluated: 2025-08-09. Review status: criteria provided, single submitter. Criteria: GeneDx Variant Classification Process June 2021. Collection method: clinical testing. Allele origin: germline. Affected: yes.
Comment: Nonsense variant predicted to result in protein truncation or nonsense mediated decay in a gene for which loss of function is a known mechanism of disease; Not observed at significant frequency in large population cohorts (gnomAD); This variant is associated with the following publications: (PMID: 37394306)

3billion
Classification: Pathogenic for Fliedner-Zweier syndrome. Last evaluated: 2025-08-08. Review status: criteria provided, single submitter. Criteria: ACMG Guidelines, 2015. Collection method: clinical testing. Allele origin: germline. Affected: yes.
Comment: The variant is observed at an extremely low frequency in the gnomAD v4.1.0 dataset (total allele frequency: <0.001%). Predicted Consequence/Location: Stop-gained (nonsense): predicted to result in a loss or disruption of normal protein function through nonsense-mediated decay (NMD) or protein truncation. Multiple pathogenic variants are reported downstream of the variant. The variant has been previously reported as de novo in a similarly affected individual (PMID: 37394306). The variant has been reported to be associated with SCAF4-related disorder (PMID: 37394306). Therefore, this variant is classified as Pathogenic according to the recommendation of ACMG/AMP guideline.

Literature cited by the submitters: PubMed 37394306 (cited by 3billion).

NM_020706.2(SCAF4):c.1429C>T (p.Arg477Ter)

Gene: SCAF4 (SR-related CTD associated factor 4; minus strand). Cytogenetic location: 21q22.11.
Variant type: single nucleotide variant.
Coding change: c.1429C>T on transcript NM_020706.2 (MANE Select); coding-DNA position 1429, C replaced by T.
Protein change: p.Arg477Ter; replaces arginine 477 with a stop codon.
Molecular consequence: nonsense.
Genome position (GRCh38, 1-based): chr21:31,693,378, G>A on the plus strand (C>T on the coding strand, the complement: SCAF4 is on the minus strand). VCF-style: chr21-31693378-G-A. GRCh37 (hg19) VCF-style: chr21-33065691-G-A.
Other names: c.1384C>T, p.Arg462Ter (NM_001145444.1); c.1429C>T, p.Arg477Ter (NM_001145445.1); short protein forms R462*, R477*.
Identifiers: ClinVar variation 4756037 (VCV004756037.2).